The following is an entry in ClinVar:

NM_002180.3(IGHMBP2):c.277G>A (p.Asp93Asn)

Gene: IGHMBP2 (immunoglobulin mu DNA binding protein 2; plus strand). Cytogenetic location: 11q13.3.
Variant type: single nucleotide variant.
Coding change: c.277G>A on transcript NM_002180.3 (MANE Select); coding-DNA position 277, G replaced by A.
Protein change: p.Asp93Asn; replaces aspartic acid 93 with asparagine.
Molecular consequence: missense variant.
Genome position (GRCh38, 1-based): chr11:68,908,165, G>A. VCF-style: chr11-68908165-G-A. GRCh37 (hg19) VCF-style: chr11-68675633-G-A.
Other names: short protein forms D93N.
Identifiers: ClinVar variation 566764 (VCV000566764.12), dbSNP rs200897747, ClinGen allele CA6153248.

ClinVar aggregate classification (germline): Conflicting classifications of pathogenicity. Review status: criteria provided, conflicting classifications (1 of 4 stars). 4 submissions from 4 submitters: Uncertain significance (2); Likely benign (1). 1 of the submissions does not count toward it. Last evaluated 2025-05-15.

Conditions:
Charcot-Marie-Tooth disease axonal type 2S. Also called: CHARCOT-MARIE-TOOTH NEUROPATHY, TYPE 2S; CHARCOT-MARIE-TOOTH DISEASE, AXONAL, AUTOSOMAL RECESSIVE, TYPE 2S. Identifiers: Orphanet 443073, MedGen C4015349, MONDO:0014511, OMIM 616155.
Autosomal recessive distal spinal muscular atrophy 1. Also called: HMN VI; NEURONOPATHY, SEVERE INFANTILE AXONAL, WITH RESPIRATORY FAILURE; NEURONOPATHY, DISTAL HEREDITARY MOTOR, HARDING TYPE VI; NEUROPATHY, DISTAL HEREDITARY MOTOR, AUTOSOMAL RECESSIVE 1; SEVERE INFANTILE AXONAL NEUROPATHY WITH RESPIRATORY FAILURE; SPINAL MUSCULAR ATROPHY, DIAPHRAGMATIC. Identifiers: Orphanet 98920, MedGen C1858517, MONDO:0011436, OMIM 604320.
Inborn genetic diseases. Identifiers: MedGen C0950123, MeSH D030342.
Charcot-Marie-Tooth disease. Also called: Charcot-Marie-Tooth Neuropathy; Charcot-Marie-Tooth Hereditary Neuropathy. Identifiers: Orphanet 166, MedGen C0007959, MONDO:0015626.

Allele frequency attached by ClinVar (database versions not stated): gnomAD 0.00005; ESP Exome Variant Server 0.00008; TOPMed 0.00009; 1000 Genomes Project 30x 0.00016; 1000 Genomes Project 0.00020.
gnomAD v4.1: 53 of 1,613,964 alleles (0.0033%); highest among the groups gnomAD compares: African/African-American, 0.016%; 1 homozygote.

Submissions (4):

Labcorp Genetics (formerly Invitae), Labcorp
Classification: Likely benign for Autosomal recessive distal spinal muscular atrophy 1; Charcot-Marie-Tooth disease axonal type 2S. Last evaluated: 2025-05-15. Review status: criteria provided, single submitter. Criteria: Invitae Variant Classification Sherloc (09022015). Collection method: clinical testing. Allele origin: germline.

Ambry Genetics
Classification: Uncertain significance for Inborn genetic diseases. Last evaluated: 2023-02-27. Review status: criteria provided, single submitter. Criteria: Ambry Variant Classification Scheme 2023. Collection method: clinical testing. Allele origin: germline.

GeneDx
Classification: Uncertain significance. Last evaluated: 2020-06-16. Review status: criteria provided, single submitter. Criteria: GeneDx Variant Classification Process June 2021. Collection method: clinical testing. Allele origin: germline. Affected: yes.
Comment: In silico analysis supports that this missense variant does not alter protein structure/function; Has not been previously published as pathogenic or benign to our knowledge

Genesis Genome Database
Classification: Uncertain significance for Charcot-Marie-Tooth disease. Last evaluated: 2019-08-14. Review status: no assertion criteria provided. Collection method: research. Allele origin: germline. Affected: yes. Not counted in ClinVar's aggregate classification.